The following is an entry in ClinVar:

NM_001379500.1(COL18A1):c.3781G>A (p.Gly1261Ser)

Genes: SLC19A1 (solute carrier family 19 member 1; minus strand), COL18A1 (collagen type XVIII alpha 1 chain; plus strand). Cytogenetic location: 21q22.3.
Variant type: single nucleotide variant.
Coding change: c.3781G>A on transcript NM_001379500.1 (MANE Select); coding-DNA position 3781, G replaced by A.
Protein change: p.Gly1261Ser; replaces glycine 1261 with serine.
Molecular consequence: missense variant.
Genome position (GRCh38, 1-based): chr21:45,511,198, G>A. VCF-style: chr21-45511198-G-A. GRCh37 (hg19) VCF-style: chr21-46931112-G-A.
Other names: c.4312G>A, p.Gly1438Ser (NM_030582.4); c.5017G>A, p.Gly1673Ser (NM_130444.3); short protein forms G1438S, G1261S, G1673S.
Identifiers: ClinVar variation 1347280 (VCV001347280.4), dbSNP rs375269967, ClinGen allele CA10068071.

ClinVar aggregate classification (germline): Uncertain significance. Review status: criteria provided, multiple submitters, no conflicts (2 of 4 stars). 2 submissions from 2 submitters: Uncertain significance (2). Last evaluated 2022-10-17.

Allele frequency attached by ClinVar (database versions not stated): ESP Exome Variant Server 0.00016; ExAC 0.00018; 1000 Genomes Project 0.00020; gnomAD 0.00027 and 0.00029; 1000 Genomes Project 30x 0.00062.
gnomAD v4.1: 114 of 1,593,156 alleles (0.0072%); highest among the groups gnomAD compares: African/African-American, 0.075%; no homozygotes.

Submissions (2):

Labcorp Genetics (formerly Invitae), Labcorp
Classification: Uncertain significance. Last evaluated: 2022-10-17. Review status: criteria provided, single submitter. Criteria: Invitae Variant Classification Sherloc (09022015). Collection method: clinical testing. Allele origin: germline.
Comment: This sequence change replaces glycine, which is neutral and non-polar, with serine, which is neutral and polar, at codon 1258 of the COL18A1 protein (p.Gly1258Ser). This variant is present in population databases (rs375269967, gnomAD 0.08%). This variant has not been reported in the literature in individuals affected with COL18A1-related conditions. ClinVar contains an entry for this variant (Variation ID: 1347280). Experimental studies and prediction algorithms are not available or were not evaluated, and the functional significance of this variant is currently unknown. In summary, the available evidence is currently insufficient to determine the role of this variant in disease. Therefore, it has been classified as a Variant of Uncertain Significance.

Blueprint Genetics
Classification: Uncertain significance. Last evaluated: 2021-08-25. Review status: criteria provided, single submitter. Criteria: ACMG Guidelines, 2015. Collection method: clinical testing. Allele origin: germline.